The following is an entry in ClinVar:

NM_002485.5(NBN):c.1930C>A (p.Gln644Lys)

Gene: NBN (nibrin; minus strand). Cytogenetic location: 8q21.3.
Variant type: single nucleotide variant.
Coding change: c.1930C>A on transcript NM_002485.5 (MANE Select); coding-DNA position 1930, C replaced by A.
Protein change: p.Gln644Lys; replaces glutamine 644 with lysine.
Molecular consequence: missense variant.
Genome position (GRCh38, 1-based): chr8:89,946,280, G>T on the plus strand (C>A on the coding strand, the complement: NBN is on the minus strand). VCF-style: chr8-89946280-G-T. GRCh37 (hg19) VCF-style: chr8-90958508-G-T.
Other names: c.1684C>A, p.Gln562Lys (NM_001024688.3); short protein forms Q644K, Q562K.
Identifiers: ClinVar variation 483952 (VCV000483952.23), dbSNP rs764050423, ClinGen allele CA181274836.
Genomic context (GRCh38, chr8:89,946,280, plus strand): 5'-TCACCAGTGATCTAAATTCAGTCAATAACAGCTTTTTTGGAAGCATCTCACTATCATCCT[G>T]AAGTTTGTCATTGTTCTTAAATGGGGTTAAGATGGATAGGTAAGAAAGAGAAGAAATAAC-3'
Protein context (NP_002476.2, residues 634-654): AKEISNNDKL[Gln644Lys]DDSEMLPKKL

ClinVar aggregate classification (germline): Uncertain significance. Review status: criteria provided, multiple submitters, no conflicts (2 of 4 stars). 5 submissions from 5 submitters: Uncertain significance (4). 1 of the submissions does not count toward it. Last evaluated 2025-02-16.

Conditions:
Hereditary cancer-predisposing syndrome. Also called: Hereditary neoplastic syndrome; Neoplastic Syndromes, Hereditary; Tumor predisposition; Hereditary Cancer Syndrome. Identifiers: Orphanet 140162, MedGen C0027672, MeSH D009386, MONDO:0015356.
Microcephaly, normal intelligence and immunodeficiency (NBS). Also called: IMMUNODEFICIENCY, MICROCEPHALY, AND CHROMOSOMAL INSTABILITY; SEEMANOVA SYNDROME II; Nijmegen breakage syndrome; Microcephaly with normal intelligence immunodeficiency and lymphoreticular malignancies; Nonsyndromal microcephaly autosomal recessive with normal intelligence; Seemanova syndrome 2. Identifiers: Orphanet 647, MedGen C0398791, MONDO:0009623, OMIM 251260.

Allele frequency attached by ClinVar (database versions not stated): gnomAD exomes below 0.00001.
gnomAD v4.1: 1 of 1,582,770 alleles (0.000063%); highest among the groups gnomAD compares: Non-Finnish European, 0.000087%; no homozygotes.

Submissions (5):

Ambry Genetics
Classification: Uncertain significance for Hereditary cancer-predisposing syndrome. Last evaluated: 2025-02-16. Review status: criteria provided, single submitter. Criteria: Ambry Variant Classification Scheme 2023. Collection method: clinical testing. Allele origin: germline.
Comment: The p.Q644K variant (also known as c.1930C>A), located in coding exon 13 of the NBN gene, results from a C to A substitution at nucleotide position 1930. The glutamine at codon 644 is replaced by lysine, an amino acid with similar properties. This amino acid position is not well conserved in available vertebrate species. In addition, this alteration is predicted to be tolerated by in silico analysis. Since supporting evidence is limited at this time, the clinical significance of this alteration remains unclear.

Genome-Nilou Lab
Classification: Uncertain significance for Microcephaly, normal intelligence and immunodeficiency. Last evaluated: 2021-11-07. Review status: criteria provided, single submitter. Criteria: ACMG Guidelines, 2015. Collection method: clinical testing. Allele origin: germline. Affected: no.

Labcorp Genetics (formerly Invitae), Labcorp
Classification: Uncertain significance for Microcephaly, normal intelligence and immunodeficiency. Last evaluated: 2021-08-26. Review status: criteria provided, single submitter. Criteria: Invitae Variant Classification Sherloc (09022015). Collection method: clinical testing. Allele origin: germline.
Comment: This sequence change replaces glutamine with lysine at codon 644 of the NBN protein (p.Gln644Lys). The glutamine residue is weakly conserved and there is a small physicochemical difference between glutamine and lysine. This variant is not present in population databases (ExAC no frequency). This variant has not been reported in the literature in individuals affected with NBN-related conditions. ClinVar contains an entry for this variant (Variation ID: 483952). Algorithms developed to predict the effect of missense changes on protein structure and function output the following: SIFT: "Tolerated"; PolyPhen-2: "Benign"; Align-GVGD: "Class C0". The lysine amino acid residue is found in multiple mammalian species, which suggests that this missense change does not adversely affect protein function. In summary, the available evidence is currently insufficient to determine the role of this variant in disease. Therefore, it has been classified as a Variant of Uncertain Significance.

Women's Health and Genetics/Laboratory Corporation of America, LabCorp
Classification: Uncertain significance. Last evaluated: 2017-05-15. Review status: criteria provided, single submitter. Criteria: LabCorp Variant Classification Summary - May 2015. Collection method: clinical testing. Allele origin: germline.
Comment: Variant summary: The NBN c.1930C>A (p.Gln644lys) variant involves the alteration of a non-conserved nucleotide and is located within Midasin, AAA ATPase with vWA domain, that is involved in ribosome maturation. 5/5 in silico tools predicting a benign outcome, however no functional studies supporting this notion were published at the time of evaluation. The variant is absent from control datasets of ExAC and gnomAD (~121274 and 245920 chrs tested, respectively), and has not, to our knowledge, been reported in affected individuals via published reports or cited by a reputable database/clinical laboratory. Taking together, the variant was classified as VUS.

Natera, Inc.
Classification: Uncertain significance for Nijmegen breakage syndrome. Last evaluated: 2021-08-09. Review status: no assertion criteria provided. Collection method: clinical testing. Allele origin: germline. Not counted in ClinVar's aggregate classification.